The following is an entry in ClinVar:

ClinVar aggregate classification (germline): Uncertain significance (1 of 4 stars; one submission).

gnomAD v4.1: 1 of 1,614,092 alleles (0.000062%); no homozygotes.

Submission:

Labcorp Genetics (formerly Invitae), Labcorp
Classification: Uncertain significance. Last evaluated: 2025-07-07. Review status: criteria provided, single submitter. Criteria: Invitae Variant Classification Sherloc (09022015). Collection method: clinical testing. Allele origin: germline.
Comment: This sequence change replaces asparagine, which is neutral and polar, with serine, which is neutral and polar, at codon 396 of the TRIM28 protein (p.Asn396Ser). This variant is present in population databases (no rsID available, gnomAD 0.004%). This variant has not been reported in the literature in individuals affected with TRIM28-related conditions. ClinVar contains an entry for this variant (Variation ID: 3642426). Experimental studies and prediction algorithms are not available or were not evaluated, and the functional significance of this variant is currently unknown. In summary, the available evidence is currently insufficient to determine the role of this variant in disease. Therefore, it has been classified as a Variant of Uncertain Significance.

NM_005762.3(TRIM28):c.1187A>G (p.Asn396Ser)

Gene: TRIM28 (tripartite motif containing 28; plus strand). Cytogenetic location: 19q13.43.
Variant type: single nucleotide variant.
Coding change: c.1187A>G on transcript NM_005762.3 (MANE Select); coding-DNA position 1187, A replaced by G.
Protein change: p.Asn396Ser; replaces asparagine 396 with serine.
Molecular consequence: missense variant.
Genome position (GRCh38, 1-based): chr19:58,548,379, A>G. VCF-style: chr19-58548379-A-G. GRCh37 (hg19) VCF-style: chr19-59059746-A-G.
Other names: short protein forms N396S.
Identifiers: ClinVar variation 3642426 (VCV003642426.2).